The following is an entry in ClinVar:

NM_006206.6(PDGFRA):c.1461T>C (p.Arg487=)

Gene: PDGFRA (platelet derived growth factor receptor alpha; plus strand). Cytogenetic location: 4q12.
Variant type: single nucleotide variant.
Coding change: c.1461T>C on transcript NM_006206.6 (MANE Select); coding-DNA position 1461, T replaced by C.
Protein change: p.Arg487=; no amino-acid change (arginine 487 retained).
Molecular consequence: synonymous variant.
Genome position (GRCh38, 1-based): chr4:54,273,633, T>C. VCF-style: chr4-54273633-T-C. GRCh37 (hg19) VCF-style: chr4-55139800-T-C.
Other names: c.1461T>C (NM_006206.5); c.1461T>C, p.Arg487= (NM_001347827.2, NM_001347829.2); c.1536T>C, p.Arg512= (NM_001347828.2); c.1500T>C, p.Arg500= (NM_001347830.2).
Identifiers: ClinVar variation 459002 (VCV000459002.15), dbSNP rs751747399, ClinGen allele CA2922576.
Genomic context (GRCh38, chr4:54,273,633, plus strand): 5'-CAATGTCTCAAACATCATCACGGAGATCCACTCCCGAGACAGGAGTACCGTGGAGGGCCG[T>C]GTGACTTTCGCCAAAGTGGAGGAGACCATCGCCGTGCGATGCCTGGCTAAGAATCTCCTT-3'
Protein context (NP_006197.1, residues 477-497): HSRDRSTVEG[Arg487=]VTFAKVEETI

ClinVar aggregate classification (germline): Likely benign. Review status: criteria provided, multiple submitters, no conflicts (2 of 4 stars). 3 submissions from 3 submitters: Likely benign (2). 1 of the submissions does not count toward it. Last evaluated 2025-12-23.

Conditions:
PDGFRA-related disorder. Also called: PDGFRA-related condition.
Hereditary cancer-predisposing syndrome. Also called: Tumor predisposition; Hereditary neoplastic syndrome; Neoplastic Syndromes, Hereditary; Hereditary Cancer Syndrome. Identifiers: Orphanet 140162, MedGen C0027672, MeSH D009386, MONDO:0015356.
Gastrointestinal stromal tumor. Also called: Gastrointestinal stroma tumor; Gastrointestinal stromal tumor, somatic. Identifiers: Orphanet 44890, MedGen C0238198, MeSH D046152, MONDO:0011719, OMIM 606764, HP:0100723.

Allele frequency attached by ClinVar (database versions not stated): gnomAD exomes below 0.00001 and 0.00001; gnomAD 0.00001; TOPMed 0.00001; ExAC 0.00002.
gnomAD v4.1: 5 of 1,613,606 alleles (0.00031%); highest among the groups gnomAD compares: African/African-American, 0.0054%; no homozygotes.

Submissions (3):

Labcorp Genetics (formerly Invitae), Labcorp
Classification: Likely benign for Gastrointestinal stromal tumor. Last evaluated: 2025-12-23. Review status: criteria provided, single submitter. Criteria: Invitae Variant Classification Sherloc (09022015). Collection method: clinical testing. Allele origin: germline.

Ambry Genetics
Classification: Likely benign for Hereditary cancer-predisposing syndrome. Last evaluated: 2019-09-22. Review status: criteria provided, single submitter. Criteria: Ambry Variant Classification Scheme 2023. Collection method: clinical testing. Allele origin: germline.

PreventionGenetics, part of Exact Sciences
Classification: Likely benign for PDGFRA-related condition. Last evaluated: 2023-02-24. Review status: no assertion criteria provided. Collection method: clinical testing. Allele origin: germline. Not counted in ClinVar's aggregate classification.
Comment: This variant is classified as likely benign based on ACMG/AMP sequence variant interpretation guidelines (Richards et al. 2015 PMID: 25741868, with internal and published modifications).